The following is an entry in ClinVar:

ClinVar aggregate classification (germline): Uncertain significance (1 of 4 stars; one submission).

gnomAD v4.1: 1 of 1,613,914 alleles (0.000062%); highest among the groups gnomAD compares: Non-Finnish European, 0.000085%; no homozygotes.

Submission:

Labcorp Genetics (formerly Invitae), Labcorp
Classification: Uncertain significance. Last evaluated: 2024-08-03. Review status: criteria provided, single submitter. Criteria: Invitae Variant Classification Sherloc (09022015). Collection method: clinical testing. Allele origin: germline.
Comment: This sequence change replaces cysteine, which is neutral and slightly polar, with glycine, which is neutral and non-polar, at codon 1348 of the LRP5 protein (p.Cys1348Gly). This variant is not present in population databases (gnomAD no frequency). This variant has not been reported in the literature in individuals affected with LRP5-related conditions. Advanced modeling of protein sequence and biophysical properties (such as structural, functional, and spatial information, amino acid conservation, physicochemical variation, residue mobility, and thermodynamic stability) performed at Invitae indicates that this missense variant is expected to disrupt LRP5 protein function with a positive predictive value of 95%. In summary, the available evidence is currently insufficient to determine the role of this variant in disease. Therefore, it has been classified as a Variant of Uncertain Significance.

NM_002335.4(LRP5):c.4042T>G (p.Cys1348Gly)

Gene: LRP5 (LDL receptor related protein 5; plus strand). Cytogenetic location: 11q13.2.
Variant type: single nucleotide variant.
Coding change: c.4042T>G on transcript NM_002335.4 (MANE Select); coding-DNA position 4042, T replaced by G.
Protein change: p.Cys1348Gly; replaces cysteine 1348 with glycine.
Molecular consequence: missense variant.
Genome position (GRCh38, 1-based): chr11:68,436,930, T>G. VCF-style: chr11-68436930-T-G. GRCh37 (hg19) VCF-style: chr11-68204398-T-G.
Other names: c.2299T>G, p.Cys767Gly (NM_001291902.2); short protein forms C1348G, C767G.
Identifiers: ClinVar variation 3634240 (VCV003634240.2).